The following is an entry in ClinVar:

ClinVar aggregate classification (germline): Likely pathogenic (1 of 4 stars; one submission).

Conditions:
Familial hypokalemia-hypomagnesemia (GTLMNS). Also called: POTASSIUM AND MAGNESIUM DEPLETION; HYPOMAGNESEMIA-HYPOKALEMIA, PRIMARY RENOTUBULAR, WITH HYPOCALCIURIA; gitelman syndrome. Identifiers: Orphanet 358, MedGen C0268450, MONDO:0009904, OMIM 263800.

Submission:

Natera, Inc.
Classification: Likely pathogenic for Gitelman syndrome. Last evaluated: 2025-11-19. Review status: criteria provided, single submitter. Criteria: Natera Variant Classification Schema (03/2026). Collection method: clinical testing. Allele origin: germline.
Comment: The c.1428del variant in SLC12A3 is a frameshift variant predicted to shift the reading frame beginning at codon 477 and leads to a stop codon 15 codons downstream. This variant is expected to result in nonsense mediated decay, truncation, or a dysfunctional protein product. This variant is rare in the general population with a frequency below the threshold expected for the associated phenotype(s). Given the available evidence, this variant is classified as Likely Pathogenic.

NM_001126108.2(SLC12A3):c.1428del (p.Ala477fs)

Gene: SLC12A3 (solute carrier family 12 member 3; plus strand). Cytogenetic location: 16q13.
Variant type: Deletion.
Coding change: c.1428del on transcript NM_001126108.2 (MANE Select); coding-DNA position 1428, one base deleted (T; older notation c.1428delT).
Protein change: p.Ala477fs; shifts the reading frame from alanine 477.
Molecular consequence: frameshift variant.
Genome position (GRCh38, 1-based): chr16:56,879,634, T deleted. VCF-style (leftmost placement, unchanged base first): chr16-56879633-CT-C. GRCh37 (hg19) VCF-style: chr16-56913545-CT-C.
Other names: c.1428del, p.Ala477fs (NM_000339.3); c.1425del, p.Ala476fs (NM_001126107.2, NM_001410896.1); short protein forms A476fs, A477fs.
Identifiers: ClinVar variation 4818187 (VCV004818187.1).